The following is an entry in ClinVar:

NM_005918.4(MDH2):c.790G>A (p.Asp264Asn)

Gene: MDH2 (malate dehydrogenase 2; plus strand). Cytogenetic location: 7q11.23.
Variant type: single nucleotide variant.
Coding change: c.790G>A on transcript NM_005918.4 (MANE Select); coding-DNA position 790, G replaced by A.
Protein change: p.Asp264Asn; replaces aspartic acid 264 with asparagine.
Molecular consequence: missense variant.
Genome position (GRCh38, 1-based): chr7:76,064,858, G>A. VCF-style: chr7-76064858-G-A. GRCh37 (hg19) VCF-style: chr7-75694176-G-A.
Other names: c.664G>A, p.Asp222Asn (NM_001282403.2); c.469G>A, p.Asp157Asn (NM_001282404.2); c.790G>A (NM_005918.2); short protein forms D157N, D264N, D222N.
Identifiers: ClinVar variation 1498288 (VCV001498288.7), dbSNP rs368561351, ClinGen allele CA4305711.

ClinVar aggregate classification (germline): Uncertain significance. Review status: criteria provided, multiple submitters, no conflicts (2 of 4 stars). 3 submissions from 3 submitters: Uncertain significance (3). Last evaluated 2024-07-28.

Conditions:
Inborn genetic diseases. Identifiers: MedGen C0950123, MeSH D030342.
Developmental and epileptic encephalopathy, 51 (DEE51). Also called: Epileptic encephalopathy, early infantile, 51. Identifiers: MedGen C4479208, MONDO:0015025, OMIM 617339.

Allele frequency attached by ClinVar (database versions not stated): ExAC 0.00002; ESP Exome Variant Server 0.00015; 1000 Genomes Project 0.00020; 1000 Genomes Project 30x 0.00031.
gnomAD v4.1: 12 of 1,614,214 alleles (0.00074%); highest among the groups gnomAD compares: African/African-American, 0.013%; no homozygotes.

Submissions (3):

Ambry Genetics
Classification: Uncertain significance for Inborn genetic diseases. Last evaluated: 2024-07-28. Review status: criteria provided, single submitter. Criteria: Ambry Variant Classification Scheme 2023. Collection method: clinical testing. Allele origin: germline.

ARUP Laboratories, Molecular Genetics and Genomics, ARUP Laboratories
Classification: Uncertain significance for Developmental and epileptic encephalopathy, 51. Last evaluated: 2023-12-22. Review status: criteria provided, single submitter. Criteria: ARUP Molecular Germline Variant Investigation Process 2024. Collection method: clinical testing. Allele origin: germline.

Labcorp Genetics (formerly Invitae), Labcorp
Classification: Uncertain significance. Last evaluated: 2022-05-16. Review status: criteria provided, single submitter. Criteria: Invitae Variant Classification Sherloc (09022015). Collection method: clinical testing. Allele origin: germline.
Comment: This sequence change replaces aspartic acid, which is acidic and polar, with asparagine, which is neutral and polar, at codon 264 of the MDH2 protein (p.Asp264Asn). This variant is present in population databases (rs368561351, gnomAD 0.02%). This variant has not been reported in the literature in individuals affected with MDH2-related conditions. Algorithms developed to predict the effect of missense changes on protein structure and function (SIFT, PolyPhen-2, Align-GVGD) all suggest that this variant is likely to be tolerated. In summary, the available evidence is currently insufficient to determine the role of this variant in disease. Therefore, it has been classified as a Variant of Uncertain Significance.